The following is an entry in ClinVar:

NM_001358351.3(SEMA6D):c.2974C>G (p.Gln992Glu)

Gene: SEMA6D (semaphorin 6D; plus strand). Cytogenetic location: 15q21.1.
Variant type: single nucleotide variant.
Coding change: c.2974C>G on transcript NM_001358351.3 (MANE Select); coding-DNA position 2974, C replaced by G.
Protein change: p.Gln992Glu; replaces glutamine 992 with glutamic acid.
Molecular consequence: missense variant. On other transcripts: 3 prime UTR variant (1).
Genome position (GRCh38, 1-based): chr15:47,771,537, C>G. VCF-style: chr15-47771537-C-G. GRCh37 (hg19) VCF-style: chr15-48063734-C-G.
Other names: c.2788C>G, p.Gln930Glu (NM_001198999.2, NM_020858.2); c.3013C>G, p.Gln1005Glu (NM_001358352.2); c.2749C>G, p.Gln917Glu (NM_153616.2); c.2806C>G, p.Gln936Glu (NM_153617.2); c.2974C>G, p.Gln992Glu (NM_153618.2); c.*990C>G (NM_153619.1); short protein forms Q917E, Q930E, Q936E, Q992E, Q1005E.
Identifiers: ClinVar variation 3043117 (VCV003043117.2), dbSNP rs138853699, ClinGen allele CA7545653.

ClinVar aggregate classification (germline): Likely benign (0 of 4 stars; one submission).

Conditions:
SEMA6D-related disorder. Also called: SEMA6D-related condition.

Allele frequency attached by ClinVar (database versions not stated): 1000 Genomes Project 30x 0.00016; 1000 Genomes Project 0.00020; ExAC 0.00140; ESP Exome Variant Server 0.00200.
gnomAD v4.1: 4,381 of 1,614,108 alleles (0.27%); highest among the groups gnomAD compares: Non-Finnish European, 0.35%; 10 homozygotes.

Submission:

PreventionGenetics, part of Exact Sciences
Classification: Likely benign for SEMA6D-related condition. Last evaluated: 2022-04-28. Review status: no assertion criteria provided. Collection method: clinical testing. Allele origin: germline.
Comment: This variant is classified as likely benign based on ACMG/AMP sequence variant interpretation guidelines (Richards et al. 2015 PMID: 25741868, with internal and published modifications).